The following is an entry in ClinVar:

NM_015041.3(CLUAP1):c.893T>C (p.Leu298Pro)

Gene: CLUAP1 (clusterin associated protein 1; plus strand). Cytogenetic location: 16p13.3.
Variant type: single nucleotide variant.
Coding change: c.893T>C on transcript NM_015041.3 (MANE Select); coding-DNA position 893, T replaced by C.
Protein change: p.Leu298Pro; replaces leucine 298 with proline.
Molecular consequence: missense variant.
Genome position (GRCh38, 1-based): chr16:3,526,449, T>C. VCF-style: chr16-3526449-T-C. GRCh37 (hg19) VCF-style: chr16-3576449-T-C.
Other names: c.893T>C, p.Leu298Pro (NM_001330454.2); c.395T>C, p.Leu132Pro (NM_024793.3); short protein forms L132P, L298P.
Identifiers: ClinVar variation 1480079 (VCV001480079.8), dbSNP rs2151063669, ClinGen allele CA394514809.

ClinVar aggregate classification (germline): Uncertain significance (1 of 4 stars; one submission).

gnomAD v4.1: 3 of 1,609,194 alleles (0.00019%); highest among the groups gnomAD compares: Non-Finnish European, 0.00025%; no homozygotes.

Submission:

Labcorp Genetics (formerly Invitae), Labcorp
Classification: Uncertain significance. Last evaluated: 2021-02-14. Review status: criteria provided, single submitter. Criteria: Invitae Variant Classification Sherloc (09022015). Collection method: clinical testing. Allele origin: germline.
Comment: In summary, the available evidence is currently insufficient to determine the role of this variant in disease. Therefore, it has been classified as a Variant of Uncertain Significance. Algorithms developed to predict the effect of missense changes on protein structure and function are either unavailable or do not agree on the potential impact of this missense change (SIFT: "Deleterious"; PolyPhen-2: "Probably Damaging"; Align-GVGD: "Class C0"). This variant has not been reported in the literature in individuals with CLUAP1-related conditions. This variant is not present in population databases (ExAC no frequency). This sequence change replaces leucine with proline at codon 298 of the CLUAP1 protein (p.Leu298Pro). The leucine residue is highly conserved and there is a moderate physicochemical difference between leucine and proline.